The following is an entry in ClinVar:

ClinVar aggregate classification (germline): Pathogenic. Review status: criteria provided, multiple submitters, no conflicts (2 of 4 stars). 2 submissions from 2 submitters: Pathogenic (2). Last evaluated 2024-05-08.

Conditions:
Hyperinsulinemic hypoglycemia, familial, 1 (HHF1). Also called: Persistent hyperinsulinemic hypoglycemia of infancy; Persistent Hyperinsulinemia Hypoglycemia of Infancy; HYPERINSULINISM, FAMILIAL, WITH PANCREATIC NESIDIOBLASTOSIS; HYPOGLYCEMIA, HYPERINSULINEMIC, OF INFANCY; NESIDIOBLASTOSIS OF PANCREAS. Identifiers: Orphanet 276575, Orphanet 276598, MedGen C2931832, MONDO:0009734, OMIM 256450.

Submissions (2):

Myriad Genetics, Inc.
Classification: Pathogenic for Hyperinsulinemic hypoglycemia, familial, 1. Last evaluated: 2024-05-08. Review status: criteria provided, single submitter. Criteria: Myriad Autosomal Dominant, Autosomal Recessive and X-Linked Classification Criteria (2023). Collection method: clinical testing. Allele origin: unknown.
Comment: NM_000352.3(ABCC8):c.1003C>T(Q335*) is expected to be pathogenic in the context of familial hyperinsulinism, ABCC8-related. This variant is predicted to lead to an abnormal or absent protein product due to the creation of a premature termination codon in ABCC8, a gene where loss-of-function variants are known to be pathogenic. Please note: this variant was assessed in the context of healthy population screening.

Labcorp Genetics (formerly Invitae), Labcorp
Classification: Pathogenic. Last evaluated: 2021-10-14. Review status: criteria provided, single submitter. Criteria: Invitae Variant Classification Sherloc (09022015). Collection method: clinical testing. Allele origin: germline.
Comment: For these reasons, this variant has been classified as Pathogenic. This variant has not been reported in the literature in individuals affected with ABCC8-related conditions. This variant is not present in population databases (ExAC no frequency). This sequence change creates a premature translational stop signal (p.Gln335*) in the ABCC8 gene. It is expected to result in an absent or disrupted protein product. Loss-of-function variants in ABCC8 are known to be pathogenic (PMID: 20685672, 23345197).

Literature cited by the submitters: PubMed 20685672 (cited by Labcorp Genetics (formerly Invitae), Labcorp); PubMed 23345197 (cited by Labcorp Genetics (formerly Invitae), Labcorp).

NM_000352.6(ABCC8):c.1003C>T (p.Gln335Ter)

Gene: ABCC8 (ATP binding cassette subfamily C member 8; minus strand). Cytogenetic location: 11p15.1.
Variant type: single nucleotide variant.
Coding change: c.1003C>T on transcript NM_000352.6 (MANE Select); coding-DNA position 1003, C replaced by T.
Protein change: p.Gln335Ter; replaces glutamine 335 with a stop codon.
Molecular consequence: nonsense. On other transcripts: non-coding transcript variant (1).
Genome position (GRCh38, 1-based): chr11:17,460,496, G>A on the plus strand (C>T on the coding strand, the complement: ABCC8 is on the minus strand). VCF-style: chr11-17460496-G-A. GRCh37 (hg19) VCF-style: chr11-17482043-G-A.
Other names: c.1003C>T, p.Gln335Ter (NM_001287174.3, NM_001351295.2); c.1000C>T, p.Gln334Ter (NM_001351296.2, NM_001351297.2); short protein forms Q334*, Q335*.
Identifiers: ClinVar variation 1454171 (VCV001454171.7), dbSNP rs2133674070, ClinGen allele CA379775645.